The following is an entry in ClinVar:

ClinVar aggregate classification (germline): Uncertain significance. Review status: criteria provided, multiple submitters, no conflicts (2 of 4 stars). 2 submissions from 2 submitters: Uncertain significance (2). Last evaluated 2025-01-21.

Conditions:
Inborn genetic diseases. Identifiers: MedGen C0950123, MeSH D030342.
Muscular dystrophy-dystroglycanopathy (congenital with brain and eye anomalies), type A9. Also called: Muscular dystrophy-dystroglycanopathy (congenital with brain and eye anomalies), type a, 9; WALKER-WARBURG SYNDROME OR MUSCLE-EYE BRAIN DISEASE, DAG1-RELATED. Identifiers: Orphanet 370997, Orphanet 899, MedGen C4225291, MONDO:0014683, OMIM 616538.
Autosomal recessive limb-girdle muscular dystrophy type 2P. Also called: MUSCULAR DYSTROPHY, LIMB-GIRDLE, TYPE 2P; Limb-Girdle Muscular Dystrophy Type 9C; MUSCULAR DYSTROPHY-DYSTROGLYCANOPATHY, LIMB-GIRDLE, DAG1-RELATED. Identifiers: Orphanet 280333, MedGen C4511963, MONDO:0013440, OMIM 613818.

Allele frequency attached by ClinVar (database versions not stated): gnomAD 0.00001; TOPMed 0.00003; ESP Exome Variant Server 0.00015.
gnomAD v4.1: 3 of 1,614,144 alleles (0.00019%); highest among the groups gnomAD compares: African/African-American, 0.0027%; no homozygotes.

Submissions (2):

Ambry Genetics
Classification: Uncertain significance for Inborn genetic diseases. Last evaluated: 2025-01-21. Review status: criteria provided, single submitter. Criteria: Ambry Variant Classification Scheme 2023. Collection method: clinical testing. Allele origin: germline.

Labcorp Genetics (formerly Invitae), Labcorp
Classification: Uncertain significance for Autosomal recessive limb-girdle muscular dystrophy type 2P; Muscular dystrophy-dystroglycanopathy (congenital with brain and eye anomalies), type A9. Last evaluated: 2022-06-13. Review status: criteria provided, single submitter. Criteria: Invitae Variant Classification Sherloc (09022015). Collection method: clinical testing. Allele origin: germline.
Comment: This sequence change replaces leucine, which is neutral and non-polar, with valine, which is neutral and non-polar, at codon 540 of the DAG1 protein (p.Leu540Val). This variant is present in population databases (rs139119186, gnomAD 0.007%). This variant has not been reported in the literature in individuals affected with DAG1-related conditions. Algorithms developed to predict the effect of missense changes on protein structure and function are either unavailable or do not agree on the potential impact of this missense change (SIFT: "Tolerated"; PolyPhen-2: "Possibly Damaging"; Align-GVGD: "Class C0"). In summary, the available evidence is currently insufficient to determine the role of this variant in disease. Therefore, it has been classified as a Variant of Uncertain Significance.

NM_004393.6(DAG1):c.1618C>G (p.Leu540Val)

Gene: DAG1 (dystroglycan 1; plus strand). Cytogenetic location: 3p21.31.
Variant type: single nucleotide variant.
Coding change: c.1618C>G on transcript NM_004393.6 (MANE Select); coding-DNA position 1618, C replaced by G.
Protein change: p.Leu540Val; replaces leucine 540 with valine.
Molecular consequence: missense variant.
Genome position (GRCh38, 1-based): chr3:49,532,129, C>G. VCF-style: chr3-49532129-C-G. GRCh37 (hg19) VCF-style: chr3-49569562-C-G.
Other names: c.1618C>G, p.Leu540Val (NM_001165928.4, NM_001177634.3, NM_001177635.3 and 9 more transcripts); c.1618C>G (NM_004393.4); short protein forms L540V.
Identifiers: ClinVar variation 2170692 (VCV002170692.2), dbSNP rs139119186, ClinGen allele CA74522298.
Genomic context (GRCh38, chr3:49,532,129, plus strand): 5'-TCAGACACTTTCTATGACCATGAGGACACCACCACTGACAAGCTGAAGCTGACCCTGAAA[C>G]TGCGGGAGCAGCAGCTGGTGGGCGAGAAGTCCTGGGTACAGTTCAACAGCAACAGCCAGC-3'
Protein context (NP_004384.5, residues 530-550): TTDKLKLTLK[Leu540Val]REQQLVGEKS